The following is an entry in ClinVar:

NM_001903.5(CTNNA1):c.1111dup (p.Met371fs)

Gene: CTNNA1 (catenin alpha 1; plus strand). Cytogenetic location: 5q31.2.
Variant type: Duplication.
Coding change: c.1111dup on transcript NM_001903.5 (MANE Select); coding-DNA position 1111, one base duplicated (A; older notation c.1111dupA).
Protein change: p.Met371fs; shifts the reading frame from methionine 371.
Molecular consequence: frameshift variant. On other transcripts: initiator codon variant (21), 5 prime UTR variant (5), intron variant (2).
Genome position (GRCh38, 1-based): chr5:138,886,260, A duplicated; the last of 4 consecutive A bases (chr5:138,886,257-138,886,260); duplicating any one gives the same sequence. VCF-style (leftmost placement, unchanged base first): chr5-138886256-T-TA. GRCh37 (hg19) VCF-style: chr5-138221945-T-TA.
Other names: c.1111dup, p.Met371fs (NM_001290307.3, NM_001323982.2, NM_001323983.1 and 3 more transcripts); c.1dup, p.Met1fs (NM_001323989.1, NM_001323990.1, NM_001323991.1 and 18 more transcripts); c.-397dup (NM_001324006.1, NM_001324007.1, NM_001324008.1 and 1 more transcripts); c.-272dup (NM_001324013.1); c.-58+10663dup (NM_001324012.1); c.-61+10663dup (NM_001324010.1); c.802dup, p.Met268fs (NM_001290309.3); c.742dup, p.Met248fs (NM_001290310.3); short protein forms M1fs, M248fs, M371fs, M268fs.
Identifiers: ClinVar variation 2897157 (VCV002897157.3), dbSNP rs2532981201, ClinGen allele CA2739275110.

ClinVar aggregate classification (germline): Pathogenic (1 of 4 stars; one submission).

Submission:

Labcorp Genetics (formerly Invitae), Labcorp
Classification: Pathogenic. Last evaluated: 2023-06-01. Review status: criteria provided, single submitter. Criteria: Invitae Variant Classification Sherloc (09022015). Collection method: clinical testing. Allele origin: germline.
Comment: This variant has not been reported in the literature in individuals affected with CTNNA1-related conditions. This variant is not present in population databases (gnomAD no frequency). This sequence change creates a premature translational stop signal (p.Met371Asnfs*10) in the CTNNA1 gene. It is expected to result in an absent or disrupted protein product. Loss-of-function variants in CTNNA1 are known to be pathogenic (PMID: 32051609, 34425242). For these reasons, this variant has been classified as Pathogenic.

Literature cited by the submitters: PubMed 32051609; PubMed 34425242.